The following is an entry in ClinVar:

NM_024996.7(GFM1):c.2125-11dup

Gene: GFM1 (G elongation factor mitochondrial 1; plus strand). Cytogenetic location: 3q25.32.
Variant type: Duplication.
Coding change: c.2125-11dup on transcript NM_024996.7 (MANE Select); 11 bases into the intron before coding-DNA position 2125, one base duplicated (T; older notation c.2125-11dupT).
Molecular consequence: intron variant.
Genome position (GRCh38, 1-based): chr3:158,691,325, T duplicated; the last of 8 consecutive T bases (chr3:158,691,318-158,691,325); duplicating any one gives the same sequence. VCF-style (leftmost placement, unchanged base first): chr3-158691317-C-CT. GRCh37 (hg19) VCF-style: chr3-158409106-C-CT.
Other names: c.2125-11dupT (NM_024996.5); c.2182-11dup (NM_001308164.2); c.1900-11dup (NM_001374357.1); c.2044-11dup (NM_001374355.1); c.2008-11dup (NM_001374356.1); c.1558-11dup (NM_001374359.1); c.1504-11dup (NM_001374360.1); c.1441-11dup (NM_001374361.1); and 1 more.
Identifiers: ClinVar variation 422151 (VCV000422151.4), dbSNP rs747030381, ClinGen allele CA2683112.

ClinVar aggregate classification (germline): Benign/Likely benign. Review status: criteria provided, multiple submitters, no conflicts (2 of 4 stars). 2 submissions from 2 submitters: Benign (1); Likely benign (1). Last evaluated 2026-01-09.

Submissions (2):

Labcorp Genetics (formerly Invitae), Labcorp
Classification: Benign. Last evaluated: 2026-01-09. Review status: criteria provided, single submitter. Criteria: Invitae Variant Classification Sherloc (09022015). Collection method: clinical testing. Allele origin: germline.

GeneDx
Classification: Likely benign. Last evaluated: 2016-09-20. Review status: criteria provided, single submitter. Criteria: GeneDx Variant Classification (06012015). Collection method: clinical testing. Allele origin: germline. Affected: yes.
Comment: This variant is considered likely benign or benign based on one or more of the following criteria: it is a conservative change, it occurs at a poorly conserved position in the protein, it is predicted to be benign by multiple in silico algorithms, and/or has population frequency not consistent with disease.